The following is an entry in ClinVar:

ClinVar aggregate classification (germline): Conflicting classifications of pathogenicity. Review status: criteria provided, conflicting classifications (1 of 4 stars). 5 submissions from 5 submitters: Uncertain significance (3); Benign (1); Likely benign (1). Last evaluated 2026-01-28.

Conditions:
Retinitis pigmentosa 49 (RP49). Identifiers: Orphanet 791, MedGen C3151059, MONDO:0013405, OMIM 613756.
Retinitis pigmentosa (RP). Identifiers: Orphanet 791, MedGen C0035334, MeSH D012174, MONDO:0019200, OMIM 268000. Inheritance: Autosomal dominant, autosomal recessive and X linked inheritance.

Allele frequency attached by ClinVar (database versions not stated): gnomAD 0.00034 and 0.00040; ExAC 0.00095; gnomAD exomes 0.00101; TOPMed 0.00115; 1000 Genomes Project 0.00120; 1000 Genomes Project 30x 0.00141.
gnomAD v4.1: 476 of 1,614,032 alleles (0.029%); highest among the groups gnomAD compares: East Asian, 0.87%; 2 homozygotes.

Submissions (5):

Labcorp Genetics (formerly Invitae), Labcorp
Classification: Benign. Last evaluated: 2026-01-28. Review status: criteria provided, single submitter. Criteria: Invitae Variant Classification Sherloc (09022015). Collection method: clinical testing. Allele origin: germline.

Blueprint Genetics
Classification: Likely benign. Last evaluated: 2024-11-15. Review status: criteria provided, single submitter. Criteria: ACMG Guidelines, 2015. Collection method: clinical testing. Allele origin: germline.

Mendelics
Classification: Uncertain significance for Retinitis pigmentosa. Last evaluated: 2019-05-28. Review status: criteria provided, single submitter. Criteria: Mendelics Assertion Criteria 2017. Collection method: clinical testing. Allele origin: unknown.

Illumina Laboratory Services, Illumina
Classification: Uncertain significance for Retinitis pigmentosa. Last evaluated: 2017-04-27. Review status: criteria provided, single submitter. Criteria: ICSL Variant Classification Criteria 13 December 2019. Collection method: clinical testing. Allele origin: germline.
Comment: This variant was observed as part of a predisposition screen in an ostensibly healthy population. A literature search was performed for the gene, cDNA change, and amino acid change (where applicable). Publications were found based on this search. However, the evidence from the literature, in combination with allele frequency data from public databases where available, was not sufficient to rule this variant in or out of causing disease. Therefore, this variant is classified as a variant of unknown significance.

Soonchunhyang University Bucheon Hospital, Soonchunhyang University Medical Center
Classification: Uncertain significance for Retinitis pigmentosa 49. Last evaluated: 2016-03-18. Review status: criteria provided, single submitter. Criteria: ACMG Guidelines, 2015. Collection method: reference population. Allele origin: germline. Observed: 2 variant alleles.

Literature cited by the submitters: PubMed 25268133 (cited by Illumina Laboratory Services, Illumina); PubMed 25356976 (cited by Illumina Laboratory Services, Illumina); PubMed 18310263 (cited by Illumina Laboratory Services, Illumina and Soonchunhyang University Bucheon Hospital, Soonchunhyang University Medical Center).

NM_001379270.1(CNGA1):c.1259G>A (p.Arg420Gln)

Genes: CNGA1 (cyclic nucleotide gated channel subunit alpha 1; minus strand), LOC101927157 (uncharacterized LOC101927157; plus strand). Cytogenetic location: 4p12.
Variant type: single nucleotide variant.
Coding change: c.1259G>A on transcript NM_001379270.1 (MANE Select); coding-DNA position 1259, G replaced by A.
Protein change: p.Arg420Gln; replaces arginine 420 with glutamine.
Molecular consequence: missense variant.
Genome position (GRCh38, 1-based): chr4:47,937,223, C>T on the plus strand (G>A on the coding strand, the complement: CNGA1 is on the minus strand). VCF-style: chr4-47937223-C-T. GRCh37 (hg19) VCF-style: chr4-47939240-C-T.
Other names: c.1259G>A, p.Arg420Gln (NM_000087.5, NM_001142564.2); short protein forms R420Q.
Identifiers: ClinVar variation 225316 (VCV000225316.15), dbSNP rs192912733, ClinGen allele CA2911106.